The following is an entry in ClinVar:

ClinVar aggregate classification (germline): Pathogenic (1 of 4 stars; one submission).

Conditions:
Pick disease. Also called: Pick Disease of the Brain; Pick's disease; DEMENTIA WITH LOBAR ATROPHY AND NEURONAL CYTOPLASMIC INCLUSIONS; LOBAR ATROPHY OF BRAIN; PICK DISEASE OF BRAIN. Identifiers: Orphanet 282, MedGen C0236642, MONDO:0008243, OMIM 172700.
Frontotemporal dementia (FTD1). Also called: Frontotemporal lobe dementia (FLDEM); Dementia, frontotemporal, with or without parkinsonism; MULTIPLE SYSTEM TAUOPATHY WITH PRESENILE DEMENTIA; WILHELMSEN-LYNCH DISEASE; Frontotemporal Dementia with Parkinsonism-17 (FTDP-17); FRONTOTEMPORAL DEMENTIA WITH PARKINSONISM. Identifiers: Orphanet 282, MedGen C0338451, MONDO:0017276, OMIM 600274, HP:0002145.
Acne inversa, familial, 3 (ACNINV3). Identifiers: MedGen C3151038, MONDO:0013398, OMIM 613737.
Alzheimer disease 3 (AD3). Also called: ALZHEIMER DISEASE, FAMILIAL, 3. Identifiers: Orphanet 1020, MedGen C1843013, MONDO:0011913, OMIM 607822.

Submission:

Labcorp Genetics (formerly Invitae), Labcorp
Classification: Pathogenic for Alzheimer disease 3; Pick disease; Acne inversa, familial, 3; Frontotemporal dementia. Last evaluated: 2025-08-21. Review status: criteria provided, single submitter. Criteria: Invitae Variant Classification Sherloc (09022015). Collection method: clinical testing. Allele origin: germline.
Comment: This sequence change replaces glutamine, which is neutral and polar, with lysine, which is basic and polar, at codon 223 of the PSEN1 protein (p.Gln223Lys). This variant is not present in population databases (gnomAD no frequency). This missense change has been observed in individuals with PSEN1-related condition (PMID: 34102969; internal data). ClinVar contains an entry for this variant (Variation ID: 1045636). Invitae Evidence Modeling of protein sequence and biophysical properties (such as structural, functional, and spatial information, amino acid conservation, physicochemical variation, residue mobility, and thermodynamic stability) indicates that this missense variant is expected to disrupt PSEN1 protein function with a positive predictive value of 95%. This variant disrupts the p.Gln223 amino acid residue in PSEN1. Other variant(s) that disrupt this residue have been determined to be pathogenic (PMID: 19912322, 22517194). This suggests that this residue is clinically significant, and that variants that disrupt this residue are likely to be disease-causing. For these reasons, this variant has been classified as Pathogenic.

Literature cited by the submitters: PubMed 34102969; PubMed 19912322; PubMed 22517194.

NM_000021.4(PSEN1):c.667C>A (p.Gln223Lys)

Gene: PSEN1 (presenilin 1; plus strand). Cytogenetic location: 14q24.2.
Variant type: single nucleotide variant.
Coding change: c.667C>A on transcript NM_000021.4 (MANE Select); coding-DNA position 667, C replaced by A.
Protein change: p.Gln223Lys; replaces glutamine 223 with lysine.
Molecular consequence: missense variant.
Genome position (GRCh38, 1-based): chr14:73,192,762, C>A. VCF-style: chr14-73192762-C-A. GRCh37 (hg19) VCF-style: chr14-73659470-C-A.
Other names: c.655C>A, p.Gln219Lys (NM_007318.3); short protein forms Q219K, Q223K.
Identifiers: ClinVar variation 1045636 (VCV001045636.9), dbSNP rs1898776259, ClinGen allele CA390299625.